The following is an entry in ClinVar:

ClinVar aggregate classification (germline): Likely pathogenic (1 of 4 stars; one submission).

Conditions:
Intellectual developmental disorder, autosomal recessive 13. Also called: Intellectual disability, autosomal recessive 13. Identifiers: Orphanet 88616, MedGen C2750791, MONDO:0013173, OMIM 613192.
Autistic behavior. Identifiers: MedGen C0856975, HP:0000729.

Submission:

Molecular Genetics Laboratory, Faculty of Medicine, Prince of Songkla University, Thailand
Classification: Likely pathogenic for Intellectual developmental disorder, autosomal recessive 13; Autistic behavior. Review status: criteria provided, single submitter. Criteria: ACMG Guidelines, 2015. Collection method: research. Allele origin: germline. Inheritance: Autosomal recessive inheritance. Affected: yes. Clinical features observed: Intellectual disability (HP:0001249).
Comment: We identified compound heterozygous mutations of the TRAPPC9, which plays a role in the neuronal NF-ÎºB signaling pathway. The frameshift mutation was absent from the 195 unrelated Thais from our in-house exome sequencing database as well as not being found in the public databases (the 1000 Genomes Project, the NHLBI-ESP 6500 exome, the ExAC database, dbSNP 137). This splice site mutation has been reported in one case of East Asian population in the 1000 Genomes Project (minor allele frequency = 0.0002) (rs539016732). Quantitative real-time RT-PCR revealed a significant reduction of TRAPPC9 transcript in two siblings carrying compound heterozygous TRAPPC9 mutations. These results suggest that aberrant mRNA transcripts from a splice site TRAPPC9 mutation may sometimes be eliminated by nonsense-mediated mRNA decay (NMD) as discussed in previous studies. To date, only homozygous mutations or compound heterozygous for copy number variations and rare variant in this gene have been reported and associated with autosomal recessive intellectual disability. The two siblings in our study were recognized as having microcephaly and brain abnormalities similarly to the clinical features found in previous case reports with homozygous mutations in the TRAPPC9 gene. However, clinical manifestations of TRAPPC9 mutations as seen in our patients with ID and autism may be broader than previous reports have indicated. These two variants were transmitted from healthy father and mother to their siblings with autism and intellectual disability. Thus, we cannot confirm that each variant is pathogenic and we submitted these two variants as compound heterozygous variant. Variant interpretation using ACMG Guidelines, 2015: c.3349+1G>A: Likely pathogenic (II) PS4, PM2, PP3; c.2415_2416insC: Likely pathogenic (II) PS4, PM2, PP3, PM4

NM_031466.7(TRAPPC9):c.[2415_2416insC];[3349+1G>A]

Variant type: CompoundHeterozygote.
Identifiers: ClinVar variation 545512 (VCV000545512.2).